The following is an entry in ClinVar:

NM_001085487.3(MYSM1):c.1467C>G (p.Tyr489Ter)

Gene: MYSM1 (Myb like, SWIRM and MPN domains 1; minus strand). Cytogenetic location: 1p32.1.
Variant type: single nucleotide variant.
Coding change: c.1467C>G on transcript NM_001085487.3 (MANE Select); coding-DNA position 1467, C replaced by G.
Protein change: p.Tyr489Ter; replaces tyrosine 489 with a stop codon.
Molecular consequence: nonsense.
Genome position (GRCh38, 1-based): chr1:58,675,504, G>C on the plus strand (C>G on the coding strand, the complement: MYSM1 is on the minus strand). VCF-style: chr1-58675504-G-C. GRCh37 (hg19) VCF-style: chr1-59141176-G-C.
Other names: short protein forms Y489*.
Identifiers: ClinVar variation 915467 (VCV000915467.4), dbSNP rs1361904700, ClinGen allele CA340521330.

Conditions:
Bone marrow failure syndrome 4. Identifiers: MedGen C4748257, MONDO:0020856, OMIM 618116.

Allele frequency attached by ClinVar (database versions not stated): TOPMed below 0.00001.

Submission:

Department of Medical Genetics, International Peace Maternity and Child Health Hospital, Shanghai Jiao Tong University School of Medicine
No classification provided (evidence only). Condition: Bone marrow failure syndrome 4. Last evaluated: 2020-05-06. Review status: no classification provided. Criteria: ACMG Guidelines, 2015. Collection method: in vitro. Allele origin: not applicable. Inheritance: Autosomal recessive inheritance. Functional consequence: RNA degradation by nonsense-mediated decay.
Comment: The c.1467C>G, p.Y489* variant in MYSM1 was novel that has not been reported in any published literature and database. cDNA sequencing from the carrier suggested it triggers nonsense-mediated mRNA degradation. In summary, the c.1467C>G, p.Y489* variant meets our criteria to be classified as pathogenic

"Pathogenic" was previously submitted as the classification for the variant. However, the classification appeared to be based only on an observation of functional data so it was converted to no classification on 2025-07-30.